The following is an entry in ClinVar:

ClinVar aggregate classification (germline): Pathogenic (1 of 4 stars; one submission).

Submission:

Labcorp Genetics (formerly Invitae), Labcorp
Classification: Pathogenic. Last evaluated: 2022-03-12. Review status: criteria provided, single submitter. Criteria: Invitae Variant Classification Sherloc (09022015). Collection method: clinical testing. Allele origin: germline.
Comment: This sequence change creates a premature translational stop signal (p.Ile319Lysfs*2) in the ACAD9 gene. It is expected to result in an absent or disrupted protein product. Loss-of-function variants in ACAD9 are known to be pathogenic (PMID: 25721401). This variant is not present in population databases (gnomAD no frequency). This variant has not been reported in the literature in individuals affected with ACAD9-related conditions. For these reasons, this variant has been classified as Pathogenic.

Literature cited by the submitters: PubMed 25721401.

NM_014049.5(ACAD9):c.951_954ATTG[1] (p.Ile319fs)

Genes: ACAD9 (acyl-CoA dehydrogenase family member 9; plus strand), LOC126806807 (BRD4-independent group 4 enhancer GRCh37_chr3:128620937-128622136; plus strand). Cytogenetic location: 3q21.3.
Variant type: Microsatellite.
Coding change: c.951_954ATTG[1] on transcript NM_014049.5 (MANE Select).
Protein change: p.Ile319fs; shifts the reading frame from isoleucine 319.
Molecular consequence: frameshift variant. On other transcripts: non-coding transcript variant (1).
Genome position: GRCh38 VCF-style: chr3-128902619-AGATT-A. GRCh37 (hg19) VCF-style: chr3-128621462-AGATT-A.
Other names: c.582_585ATTG[1], p.Ile196Lysfs (NM_001410805.1); short protein forms I319fs.
Identifiers: ClinVar variation 2109814 (VCV002109814.4), dbSNP rs2529266752, ClinGen allele CA2577891419.